The following is an entry in ClinVar:

ClinVar aggregate classification (germline): Likely pathogenic. Review status: criteria provided, multiple submitters, no conflicts (2 of 4 stars). 4 submissions from 4 submitters: Likely pathogenic (2). 2 of the submissions do not count toward it. Last evaluated 2024-05-29.

Conditions:
Familial isolated deficiency of vitamin E (AVED). Also called: ATAXIA, FRIEDREICH-LIKE, WITH SELECTIVE VITAMIN E DEFICIENCY; Ataxia with isolated vitamin E deficiency. Identifiers: Orphanet 96, MedGen C1848533, MONDO:0010188, OMIM 277460.
ATAXIA WITH ISOLATED VITAMIN E DEFICIENCY AND RETINITIS PIGMENTOSA. Identifiers: MedGen C4016663.

Allele frequency attached by ClinVar (database versions not stated): TOPMed below 0.00001; gnomAD exomes below 0.00001.
gnomAD v4.1: 5 of 1,614,100 alleles (0.00031%); highest among the groups gnomAD compares: East Asian, 0.011%; no homozygotes.

Submissions (4):

Natera, Inc.
Classification: Likely pathogenic for Ataxia with isolated vitamin E deficiency. Last evaluated: 2024-05-29. Review status: criteria provided, single submitter. Criteria: Natera Variant Classification Schema (03/2026). Collection method: clinical testing. Allele origin: germline.
Comment: The c.303T>G variant in TTPA is a missense variant predicted to cause substitution of histidine to glutamine at amino acid 101. This variant is rare in the general population with a frequency below the threshold expected for the associated phenotype(s). This variant has been observed in one or more individuals affected with the associated recessive disease, as either homozygous or compound heterozygous with a second variant (PMID: 9463307). Functional studies show that this variant may disrupt protein function (PMID: 7566022). Given the available evidence, this variant is classified as Likely Pathogenic.

Fulgent Genetics
Classification: Likely pathogenic for Familial isolated deficiency of vitamin E. Last evaluated: 2024-02-29. Review status: criteria provided, single submitter. Criteria: ACMG Guidelines, 2015. Collection method: clinical testing. Allele origin: germline.

OMIM
Classification: Pathogenic for ATAXIA WITH ISOLATED VITAMIN E DEFICIENCY AND RETINITIS PIGMENTOSA. Last evaluated: 1996-12-05. Review status: no assertion criteria provided. Collection method: literature only. Allele origin: germline. Not counted in ClinVar's aggregate classification.

GeneReviews
No classification provided. Condition: Familial isolated deficiency of vitamin E. Review status: no classification provided. Collection method: literature only. Allele origin: unknown. Not counted in ClinVar's aggregate classification.

Literature cited by the submitters: PubMed 9463307 (cited by Natera, Inc.); PubMed 7566022 (cited by Natera, Inc. and OMIM); PubMed 3477125 (cited by OMIM); PubMed 8965888 (cited by OMIM); PubMed 20301419 (cited by GeneReviews); NCBI Bookshelf NBK1241 (cited by GeneReviews).

NM_000370.3(TTPA):c.303T>G (p.His101Gln)

Gene: TTPA (alpha tocopherol transfer protein; minus strand). Cytogenetic location: 8q12.3.
Variant type: single nucleotide variant.
Coding change: c.303T>G on transcript NM_000370.3 (MANE Select); coding-DNA position 303, T replaced by G.
Protein change: p.His101Gln; replaces histidine 101 with glutamine.
Molecular consequence: missense variant.
Genome position (GRCh38, 1-based): chr8:63,072,990, A>C on the plus strand (T>G on the coding strand, the complement: TTPA is on the minus strand). VCF-style: chr8-63072990-A-C. GRCh37 (hg19) VCF-style: chr8-63985549-A-C.
Other names: short protein forms H101Q.
Identifiers: ClinVar variation 9137 (VCV000009137.9), dbSNP rs121917849, ClinGen allele CA120135.